The following is an entry in ClinVar:

NM_004444.5(EPHB4):c.1523G>A (p.Arg508Gln)

Gene: EPHB4 (EPH receptor B4; minus strand). Cytogenetic location: 7q22.1.
Variant type: single nucleotide variant.
Coding change: c.1523G>A on transcript NM_004444.5 (MANE Select); coding-DNA position 1523, G replaced by A.
Protein change: p.Arg508Gln; replaces arginine 508 with glutamine.
Molecular consequence: missense variant.
Genome position (GRCh38, 1-based): chr7:100,817,257, C>T on the plus strand (G>A on the coding strand, the complement: EPHB4 is on the minus strand). VCF-style: chr7-100817257-C-T. GRCh37 (hg19) VCF-style: chr7-100414879-C-T.
Other names: short protein forms R508Q.
Identifiers: ClinVar variation 4850086 (VCV004850086.1).

ClinVar aggregate classification (germline): Uncertain significance (1 of 4 stars; one submission).

Conditions:
Capillary malformation-arteriovenous malformation 2 (CMAVM2). Identifiers: Orphanet 693912, MedGen C4748670, MONDO:0020785, OMIM 618196.

gnomAD v4.1: 4 of 1,607,036 alleles (0.00025%); highest among the groups gnomAD compares: African/African-American, 0.0013%; no homozygotes.

Submission:

Institute for Clinical Genetics, University Hospital TU Dresden, University Hospital TU Dresden
Classification: Uncertain significance for Capillary malformation-arteriovenous malformation 2. Last evaluated: 2023-09-25. Review status: criteria provided, single submitter. Criteria: ACMG Guidelines, 2015. Collection method: clinical testing. Allele origin: germline. Affected: yes.
Comment: PM1_SUP, PM2_SUP